The following is an entry in ClinVar:

NM_003470.3(USP7):c.1713A>C (p.Ala571=)

Gene: USP7 (ubiquitin specific peptidase 7; minus strand). Cytogenetic location: 16p13.2.
Variant type: single nucleotide variant.
Coding change: c.1713A>C on transcript NM_003470.3 (MANE Select); coding-DNA position 1713, A replaced by C.
Protein change: p.Ala571=; no amino-acid change (alanine 571 retained).
Molecular consequence: synonymous variant. On other transcripts: non-coding transcript variant (1).
Genome position (GRCh38, 1-based): chr16:8,903,394, T>G on the plus strand (A>C on the coding strand, the complement: USP7 is on the minus strand). VCF-style: chr16-8903394-T-G. GRCh37 (hg19) VCF-style: chr16-8997251-T-G.
Other names: c.1665A>C, p.Ala555= (NM_001286457.2); c.1416A>C, p.Ala472= (NM_001286458.2); c.1539A>C, p.Ala513= (NM_001321858.2).
Identifiers: ClinVar variation 2069669 (VCV002069669.31), dbSNP rs142712886, ClinGen allele CA7895286.
Genomic context (GRCh38, chr16:8,903,394, plus strand): 5'-GTATTTCACTTTTTCTTCATCGTACATGTCATTCCCTTGGTGGCCACAAAACTGGTCCTC[T>G]GCGACTATCTGAAAATATGTATGAAAGCACAGAAAAGACTTGACAACTGACAAAAAATGA-3'
Protein context (NP_003461.2, residues 561-581): AHLYMQVQIV[Ala571=]EDQFCGHQGN

ClinVar aggregate classification (germline): Benign/Likely benign. Review status: criteria provided, multiple submitters, no conflicts (2 of 4 stars). 2 submissions from 2 submitters: Benign (1); Likely benign (1). Last evaluated 2025-02-04.

Allele frequency attached by ClinVar (database versions not stated): TOPMed 0.00026; gnomAD 0.00029; 1000 Genomes Project 30x 0.00031; ExAC 0.00031; ESP Exome Variant Server 0.00038; 1000 Genomes Project 0.00040.
gnomAD v4.1: 385 of 1,613,794 alleles (0.024%); highest among the groups gnomAD compares: Middle Eastern, 0.082%; no homozygotes.

Submissions (2):

Labcorp Genetics (formerly Invitae), Labcorp
Classification: Benign. Last evaluated: 2025-02-04. Review status: criteria provided, single submitter. Criteria: Invitae Variant Classification Sherloc (09022015). Collection method: clinical testing. Allele origin: germline.

CeGaT Center for Human Genetics Tuebingen
Classification: Likely benign. Last evaluated: 2023-04-01. Review status: criteria provided, single submitter. Criteria: CeGaT Center For Human Genetics Tuebingen Variant Classification Criteria Version 2. Collection method: clinical testing. Allele origin: germline. Affected: yes. Observed: 1 variant allele.
Comment: USP7: BP4, BP7